The following is an entry in ClinVar:

ClinVar aggregate classification (germline): Uncertain significance (1 of 4 stars; one submission).

Submission:

CeGaT Center for Human Genetics Tuebingen
Classification: Uncertain significance. Last evaluated: 2026-05-01. Review status: criteria provided, single submitter. Criteria: CeGaT Center For Human Genetics Tuebingen Variant Classification Criteria Version 2. Collection method: clinical testing. Allele origin: germline. Affected: yes. Observed: 1 variant allele.
Comment: ANK2: PM2, PP3

NM_001148.6(ANK2):c.1229G>C (p.Arg410Pro)

Gene: ANK2 (ankyrin 2; plus strand). Cytogenetic location: 4q26.
Variant type: single nucleotide variant.
Coding change: c.1229G>C on transcript NM_001148.6 (MANE Select); coding-DNA position 1229, G replaced by C.
Protein change: p.Arg410Pro; replaces arginine 410 with proline.
Molecular consequence: missense variant. On other transcripts: intron variant (5).
Genome position (GRCh38, 1-based): chr4:113,258,090, G>C. VCF-style: chr4-113258090-G-C. GRCh37 (hg19) VCF-style: chr4-114179246-G-C.
Other names: c.1166G>C, p.Arg389Pro (NM_001354243.2, NM_001354244.2, NM_001354252.2 and 14 more transcripts); c.1229G>C, p.Arg410Pro (NM_001354245.2, NM_001354246.2, NM_001354268.2 and 8 more transcripts); c.1142G>C, p.Arg381Pro (NM_001354249.2, NM_001354271.2, NM_001354274.2 and 13 more transcripts); c.1274G>C, p.Arg425Pro (NM_001386144.1, NM_001354231.2, NM_001354237.2 and 5 more transcripts); c.1187G>C, p.Arg396Pro (NM_001354261.2, NM_001386147.1, NM_001386160.1); c.1217G>C, p.Arg406Pro (NM_001386148.2, NM_001386186.2); c.1280G>C, p.Arg427Pro (NM_001386174.1); c.1256G>C, p.Arg419Pro (NM_001386175.1); and 4 more; short protein forms R381P, R389P, R396P, R398P, R406P, R410P, R419P, R425P.
Identifiers: ClinVar variation 4875066 (VCV004875066.2).